The following is an entry in ClinVar:

ClinVar aggregate classification (germline): Likely benign. Review status: criteria provided, multiple submitters, no conflicts (2 of 4 stars). 3 submissions from 3 submitters: Likely benign (2). 1 of the submissions does not count toward it. Last evaluated 2026-01-02.

Conditions:
CARMIL2-related disorder. Also called: CARMIL2-related condition.

Allele frequency attached by ClinVar (database versions not stated): gnomAD 0.00005; TOPMed 0.00006; gnomAD exomes 0.00008; ExAC 0.00011; ESP Exome Variant Server 0.00024.
gnomAD v4.1: 123 of 1,613,510 alleles (0.0076%); highest among the groups gnomAD compares: Middle Eastern, 0.43%; 1 homozygote.

Submissions (3):

Labcorp Genetics (formerly Invitae), Labcorp
Classification: Likely benign. Last evaluated: 2026-01-02. Review status: criteria provided, single submitter. Criteria: Invitae Variant Classification Sherloc (09022015). Collection method: clinical testing. Allele origin: germline.

Blueprint Genetics
Classification: Likely benign. Last evaluated: 2024-10-08. Review status: criteria provided, single submitter. Criteria: ACMG Guidelines, 2015. Collection method: clinical testing. Allele origin: germline.

PreventionGenetics, part of Exact Sciences
Classification: Likely benign for CARMIL2-related condition. Last evaluated: 2020-02-28. Review status: no assertion criteria provided. Collection method: clinical testing. Allele origin: germline. Not counted in ClinVar's aggregate classification.
Comment: This variant is classified as likely benign based on ACMG/AMP sequence variant interpretation guidelines (Richards et al. 2015 PMID: 25741868, with internal and published modifications).

NM_001013838.3(CARMIL2):c.2223G>A (p.Val741=)

Gene: CARMIL2 (capping protein regulator and myosin 1 linker 2; plus strand). Cytogenetic location: 16q22.1.
Variant type: single nucleotide variant.
Coding change: c.2223G>A on transcript NM_001013838.3 (MANE Select); coding-DNA position 2223, G replaced by A.
Protein change: p.Val741=; no amino-acid change (valine 741 retained).
Molecular consequence: synonymous variant.
Genome position (GRCh38, 1-based): chr16:67,651,225, G>A. VCF-style: chr16-67651225-G-A. GRCh37 (hg19) VCF-style: chr16-67685128-G-A.
Other names: c.2115G>A, p.Val705= (NM_001317026.3); c.2223G>A (NM_001013838.1).
Identifiers: ClinVar variation 1551170 (VCV001551170.11), dbSNP rs368277853, ClinGen allele CA8113720.